The following is an entry in ClinVar:

NM_000275.3(OCA2):c.1832T>C (p.Leu611Pro)

Gene: OCA2 (OCA2 melanosomal transmembrane protein; minus strand). Cytogenetic location: 15q13.1.
Variant type: single nucleotide variant.
Coding change: c.1832T>C on transcript NM_000275.3 (MANE Select); coding-DNA position 1832, T replaced by C.
Protein change: p.Leu611Pro; replaces leucine 611 with proline.
Molecular consequence: missense variant.
Genome position (GRCh38, 1-based): chr15:27,955,168, A>G on the plus strand (T>C on the coding strand, the complement: OCA2 is on the minus strand). VCF-style: chr15-27955168-A-G. GRCh37 (hg19) VCF-style: chr15-28200314-A-G.
Other names: c.1760T>C, p.Leu587Pro (NM_001300984.2); short protein forms L587P, L611P.
Identifiers: ClinVar variation 2677404 (VCV002677404.9), dbSNP rs766188851, ClinGen allele CA7438893.

ClinVar aggregate classification (germline): Pathogenic. Review status: criteria provided, multiple submitters, no conflicts (2 of 4 stars). 6 submissions from 6 submitters: Pathogenic (6). Last evaluated 2025-01-21.

Conditions:
SKIN/HAIR/EYE PIGMENTATION 1, BLUE/NONBLUE EYES (SHEP1). Also called: BROWN EYE COLOR 2; EYE COLOR 3; EYE COLOR, BLUE/NONBLUE; EYE COLOR, BROWN/BLUE; HAIR COLOR 3; SKIN/HAIR/EYE PIGMENTATION 1, BLOND/BROWN HAIR. Identifiers: MedGen C1856895, OMIM 227220.
Tyrosinase-positive oculocutaneous albinism (OCA2). Also called: Albinism, oculocutaneous, type II; ALBINISM II; Oculocutaneous albinism type 2. Identifiers: Orphanet 79432, MedGen C0268495, MONDO:0008746, OMIM 203200.
Oculocutaneous albinism. Identifiers: Orphanet 55, MedGen C0078918, MONDO:0018910.
OCA2-related disorder. Also called: OCA2-related condition.

Allele frequency attached by ClinVar (database versions not stated): gnomAD exomes 0.00001; ExAC 0.00001.
gnomAD v4.1: 7 of 1,611,214 alleles (0.00043%); highest among the groups gnomAD compares: East Asian, 0.016%; no homozygotes.

Submissions (6):

Myriad Genetics, Inc.
Classification: Pathogenic for Tyrosinase-positive oculocutaneous albinism. Last evaluated: 2025-01-21. Review status: criteria provided, single submitter. Criteria: Myriad Autosomal Dominant, Autosomal Recessive and X-Linked Classification Criteria (2023). Collection method: clinical testing. Allele origin: unknown.
Comment: NM_000275.2(OCA2):c.1832T>C(L611P) is a missense variant classified as pathogenic in the context of oculocutaneous albinism, OCA2-related. L611P has been observed in cases with relevant disease (PMID: 31196117). Relevant functional assessments of this variant are not available in the literature. L611P has been observed in referenced population frequency databases. In summary, NM_000275.2(OCA2):c.1832T>C(L611P) is a missense variant that has been observed more frequently in cases with the relevant disease than in healthy populations. Please note: this variant was assessed in the context of healthy population screening.

Women's Health and Genetics/Laboratory Corporation of America, LabCorp
Classification: Pathogenic for Oculocutaneous albinism. Last evaluated: 2024-08-06. Review status: criteria provided, single submitter. Criteria: LabCorp Variant Classification Summary - May 2015. Collection method: clinical testing. Allele origin: germline.
Comment: Variant summary: OCA2 c.1832T>C (p.Leu611Pro) results in a non-conservative amino acid change located in the Citrate transporter-like domain (IPR004680) of the encoded protein sequence. Five of five in-silico tools predict a damaging effect of the variant on protein function. The variant allele was found at a frequency of 1.6e-05 in 251468 control chromosomes. c.1832T>C has been reported in the literature in multiple homozygous and compound heterozygous individuals affected with Oculocutaneous Albinism (e.g., Yang_2019). These data indicate that the variant is very likely to be associated with disease. The following publication has been ascertained in the context of this evaluation (PMID: 31196117). ClinVar contains an entry for this variant (Variation ID: 2677404). Based on the evidence outlined above, the variant was classified as pathogenic.

Labcorp Genetics (formerly Invitae), Labcorp
Classification: Pathogenic. Last evaluated: 2024-01-28. Review status: criteria provided, single submitter. Criteria: Invitae Variant Classification Sherloc (09022015). Collection method: clinical testing. Allele origin: germline.
Comment: This sequence change replaces leucine, which is neutral and non-polar, with proline, which is neutral and non-polar, at codon 611 of the OCA2 protein (p.Leu611Pro). This variant is present in population databases (rs766188851, gnomAD 0.02%). This missense change has been observed in individuals with oculocutaneous albinism (PMID: 31196117). Advanced modeling of protein sequence and biophysical properties (such as structural, functional, and spatial information, amino acid conservation, physicochemical variation, residue mobility, and thermodynamic stability) performed at Invitae indicates that this missense variant is expected to disrupt OCA2 protein function with a positive predictive value of 80%. For these reasons, this variant has been classified as Pathogenic.

Baylor Genetics
Classification: Pathogenic for SKIN/HAIR/EYE PIGMENTATION 1, BLUE/NONBLUE EYES. Last evaluated: 2023-08-31. Review status: criteria provided, single submitter. Criteria: ACMG Guidelines, 2015. Collection method: clinical testing. Allele origin: unknown.

Blueprint Genetics
Classification: Pathogenic for OCA2-related disorders. Last evaluated: 2021-12-30. Review status: criteria provided, single submitter. Criteria: ACMG Guidelines, 2015. Collection method: clinical testing. Allele origin: germline. Affected: yes. Observed: 3 variant alleles.

Juno Genomics, Hangzhou Juno Genomics, Inc
Classification: Pathogenic for Tyrosinase-positive oculocutaneous albinism. Review status: criteria provided, single submitter. Criteria: ACMG Guidelines, 2015. Collection method: clinical testing. Allele origin: germline.
Comment: Absent from controls (or at extremely low frequency if recessive) in Genome Aggregation Database.;Multiple lines of computational evidence support a deleterious effect on the gene or gene product.;For recessive disorders, detected in trans with a pathogenic variant.;Patient's phenotype or family history is highly specific for a disease with a single genetic etiology.

Literature cited by the submitters: PubMed 31196117 (cited by 3 submitters).